The following is an entry in ClinVar:

NM_001375524.1(TRRAP):c.7187_7189del (p.Leu2396del)

Gene: TRRAP (transformation/transcription domain associated protein; plus strand). Cytogenetic location: 7q22.1.
Variant type: Deletion.
Coding change: c.7187_7189del on transcript NM_001375524.1 (MANE Select); coding-DNA positions 7187 to 7189, 3 bases deleted (TCC; older notation c.7187_7189delTCC).
Protein change: p.Leu2396del; deletes leucine 2396.
Molecular consequence: inframe deletion.
Genome position (GRCh38, 1-based): chr7:98,967,051-98,967,053, TCC deleted; deleting any 3 consecutive bases within chr7:98,967,050-98,967,053 gives the same sequence; the c. name uses the placement nearest the transcript's 3' end. VCF-style (leftmost placement, unchanged base first): chr7-98967049-ACTC-A. GRCh37 (hg19) VCF-style: chr7-98564672-ACTC-A.
Other names: c.7166_7168del, p.Leu2389del (NM_001244580.2); c.7112_7114del, p.Leu2371del (NM_003496.4); short protein forms L2371del, L2389del, L2396del.
Identifiers: ClinVar variation 1331609 (VCV001331609.5), dbSNP rs1267062381, ClinGen allele CA576385006.

ClinVar aggregate classification (germline): Uncertain significance. Review status: criteria provided, multiple submitters, no conflicts (2 of 4 stars). 2 submissions from 2 submitters: Uncertain significance (2). Last evaluated 2025-08-02.

Submissions (2):

Labcorp Genetics (formerly Invitae), Labcorp
Classification: Uncertain significance. Last evaluated: 2025-08-02. Review status: criteria provided, single submitter. Criteria: Invitae Variant Classification Sherloc (09022015). Collection method: clinical testing. Allele origin: germline.
Comment: This variant, c.7112_7114del, results in the deletion of 1 amino acid(s) of the TRRAP protein (p.Leu2371del), but otherwise preserves the integrity of the reading frame. This variant is present in population databases (no rsID available, gnomAD 0.0009%). This variant has not been reported in the literature in individuals affected with TRRAP-related conditions. ClinVar contains an entry for this variant (Variation ID: 1331609). Experimental studies and prediction algorithms are not available or were not evaluated, and the functional significance of this variant is currently unknown. In summary, the available evidence is currently insufficient to determine the role of this variant in disease. Therefore, it has been classified as a Variant of Uncertain Significance.

Greenwood Genetic Center Diagnostic Laboratories, Greenwood Genetic Center
Classification: Uncertain significance. Last evaluated: 2021-01-06. Review status: criteria provided, single submitter. Criteria: ACMG Guidelines, 2015. Collection method: clinical testing. Allele origin: germline. Affected: yes.
Comment: PM2, PM4